The following is an entry in ClinVar:

NM_000631.5(NCF4):c.528+16A>G

Gene: NCF4 (neutrophil cytosolic factor 4; plus strand). Cytogenetic location: 22q12.3.
Variant type: single nucleotide variant.
Coding change: c.528+16A>G on transcript NM_000631.5 (MANE Select); 16 bases into the intron after coding-DNA position 528, A replaced by G.
Molecular consequence: intron variant.
Genome position (GRCh38, 1-based): chr22:36,871,725, A>G. VCF-style: chr22-36871725-A-G. GRCh37 (hg19) VCF-style: chr22-37267767-A-G.
Other names: c.528+16A>G (NM_013416.4).
Identifiers: ClinVar variation 198201 (VCV000198201.22), dbSNP rs2072708, ClinGen allele CA203305.

ClinVar aggregate classification (germline): Benign/Likely benign. Review status: criteria provided, multiple submitters, no conflicts (2 of 4 stars). 9 submissions from 9 submitters: Benign (8); Likely benign (1). Last evaluated 2026-02-04.

Conditions:
Granulomatous disease, chronic, autosomal recessive, cytochrome b-positive, type 3. Also called: Granulomatous disease, chronic, autosomal recessive, cytochrome b-positive, type III; GRANULOMATOUS DISEASE, CHRONIC, AUTOSOMAL RECESSIVE, 3; CGD, AUTOSOMAL RECESSIVE CYTOCHROME b-POSITIVE, TYPE III; GRANULOMATOUS DISEASE, CHRONIC, DUE TO NCF4 DEFICIENCY. Identifiers: Orphanet 379, MedGen C3151409, MONDO:0013507, OMIM 613960.

Allele frequency attached by ClinVar (database versions not stated): 1000 Genomes Project 30x 0.62024; 1000 Genomes Project 0.62700; ESP Exome Variant Server 0.63278; TOPMed 0.63880; gnomAD 0.64364 and 0.64958; ExAC 0.70332; gnomAD exomes 0.71820.
gnomAD v4.1: 1,110,183 of 1,554,170 alleles (71%); highest among the groups gnomAD compares: Admixed American, 77%; 400,398 homozygotes.

Submissions (9):

Labcorp Genetics (formerly Invitae), Labcorp
Classification: Benign for Granulomatous disease, chronic, autosomal recessive, cytochrome b-positive, type 3. Last evaluated: 2026-02-04. Review status: criteria provided, single submitter. Criteria: Invitae Variant Classification Sherloc (09022015). Collection method: clinical testing. Allele origin: germline.

Women's Health and Genetics/Laboratory Corporation of America, LabCorp
Classification: Benign. Last evaluated: 2026-01-21. Review status: criteria provided, single submitter. Criteria: LabCorp Variant Classification Summary - May 2015. Collection method: clinical testing. Allele origin: germline.

Blueprint Genetics
Classification: Likely benign. Last evaluated: 2024-11-28. Review status: criteria provided, single submitter. Criteria: ACMG Guidelines, 2015. Collection method: clinical testing. Allele origin: germline.

Unidad de Genómica Garrahan, Hospital de Pediatría Garrahan
Classification: Benign. Last evaluated: 2024-01-24. Review status: criteria provided, single submitter. Criteria: ACMG Guidelines, 2015. Collection method: clinical testing. Allele origin: germline. Affected: no. Observed: 91 variant alleles.
Comment: This variant is classified as Benign based on local population frequency. This variant was detected in 96% of patients studied by a panel of primary immunodeficiencies. Number of patients: 91. Only high quality variants are reported.

Genome-Nilou Lab
Classification: Benign for Granulomatous disease, chronic, autosomal recessive, cytochrome b-positive, type 3. Last evaluated: 2021-09-05. Review status: criteria provided, single submitter. Criteria: ACMG Guidelines, 2015. Collection method: clinical testing. Allele origin: germline. Affected: no.

GeneDx
Classification: Benign. Last evaluated: 2018-08-08. Review status: criteria provided, single submitter. Criteria: GeneDx Variant Classification Process June 2021. Collection method: clinical testing. Allele origin: germline. Affected: yes.

Eurofins Ntd Llc (ga)
Classification: Benign. Last evaluated: 2015-04-14. Review status: criteria provided, single submitter. Criteria: EGL Classification Definitions 2015. Collection method: clinical testing. Allele origin: germline. Observed: 2 variant alleles, 2 heterozygotes.

Breakthrough Genomics
Classification: Benign. Review status: criteria provided, single submitter. Criteria: ACMG Guidelines, 2015. Collection method: not provided. Allele origin: germline. Inheritance: Autosomal recessive inheritance. Affected: yes.

PreventionGenetics, part of Exact Sciences
Classification: Benign. Review status: criteria provided, single submitter. Criteria: ACMG Guidelines, 2015. Collection method: clinical testing. Allele origin: germline.